The following is an entry in ClinVar:

ClinVar aggregate classification (germline): Pathogenic (1 of 4 stars; one submission).

Conditions:
Breast-ovarian cancer, familial, susceptibility to, 2 (BROVCA2). Also called: BRCA2 Hereditary Breast and Ovarian Cancer. Identifiers: Orphanet 145, MedGen C2675520, MONDO:0012933, OMIM 612555. Disease mechanism: loss of function.

Submission:

Myriad Genetics, Inc.
Classification: Pathogenic for Breast-ovarian cancer, familial, susceptibility to, 2. Last evaluated: 2023-01-10. Review status: criteria provided, single submitter. Criteria: Myriad Autosomal Dominant, Autosomal Recessive and X-Linked Classification Criteria (2023). Collection method: clinical testing. Allele origin: unknown.
Comment: This variant is considered pathogenic. This variant creates a frameshift predicted to result in premature protein truncation.

NM_000059.4(BRCA2):c.1512_1513insG (p.Ile505fs)

Gene: BRCA2 (BRCA2 DNA repair associated; plus strand). Cytogenetic location: 13q13.1.
Variant type: Insertion.
Coding change: c.1512_1513insG on transcript NM_000059.4 (MANE Select); coding-DNA positions 1512 to 1513, G inserted.
Protein change: p.Ile505fs; shifts the reading frame from isoleucine 505.
Molecular consequence: frameshift variant.
Genome position: GRCh38 VCF-style: chr13-32332990-T-TG. GRCh37 (hg19) VCF-style: chr13-32907127-T-TG.
Other names: c.1512_1513insG, p.Ile505Aspfs (NM_001406719.1, NM_001406720.1, NM_001406721.1); short protein forms I505fs.
Identifiers: ClinVar variation 2431271 (VCV002431271.1), dbSNP rs2548520422, ClinGen allele CA2580087018.
Genomic context (GRCh38, chr13:32,332,990, plus strand): 5'-AAAGCAGGCAATATCTGGAACTTCTCCAGTGGCTTCTTCATTTCAGGGTATCAAAAAGTC[T>TG]ATATTCAGAATAAGAGAATCACCTAAAGAGACTTTCAATGCAAGTTTTTCAGGTCATATG-3'